The following is an entry in ClinVar:

ClinVar aggregate classification (germline): Uncertain significance (1 of 4 stars; one submission).

Conditions:
Muscle AMP deaminase deficiency (MMDD). Also called: Myoadenylate deaminase deficiency, myopathy due to; Adenosine monophosphate deaminase 1 deficiency; AMP deaminase 1 deficiency; Adenosine Monophosphate Deaminase 1; ADENOSINE MONOPHOSPHATE DEAMINASE-1 DEFICIENCY, MYOPATHY DUE TO; AMPD1 DEFICIENCY. Identifiers: Orphanet 45, MedGen C3714933, MONDO:0014220, OMIM 615511.

Allele frequency attached by ClinVar (database versions not stated): gnomAD exomes below 0.00001; TOPMed below 0.00001; ExAC 0.00001.
gnomAD v4.1: 3 of 1,614,216 alleles (0.00019%); highest among the groups gnomAD compares: Non-Finnish European, 0.00025%; no homozygotes.

Submission:

Labcorp Genetics (formerly Invitae), Labcorp
Classification: Uncertain significance for Muscle AMP deaminase deficiency. Last evaluated: 2022-08-09. Review status: criteria provided, single submitter. Criteria: Invitae Variant Classification Sherloc (09022015). Collection method: clinical testing. Allele origin: germline.
Comment: In summary, the available evidence is currently insufficient to determine the role of this variant in disease. Therefore, it has been classified as a Variant of Uncertain Significance. Algorithms developed to predict the effect of missense changes on protein structure and function (SIFT, PolyPhen-2, Align-GVGD) all suggest that this variant is likely to be tolerated. ClinVar contains an entry for this variant (Variation ID: 1438943). This variant has not been reported in the literature in individuals affected with AMPD1-related conditions. This variant is present in population databases (rs749940824, gnomAD 0.0009%). This sequence change replaces asparagine, which is neutral and polar, with aspartic acid, which is acidic and polar, at codon 116 of the AMPD1 protein (p.Asn116Asp).

NM_000036.3(AMPD1):c.247A>G (p.Asn83Asp)

Gene: AMPD1 (adenosine monophosphate deaminase 1; minus strand). Cytogenetic location: 1p13.2.
Variant type: single nucleotide variant.
Coding change: c.247A>G on transcript NM_000036.3 (MANE Select); coding-DNA position 247, A replaced by G.
Protein change: p.Asn83Asp; replaces asparagine 83 with aspartic acid.
Molecular consequence: missense variant.
Genome position (GRCh38, 1-based): chr1:114,686,879, T>C on the plus strand (A>G on the coding strand, the complement: AMPD1 is on the minus strand). VCF-style: chr1-114686879-T-C. GRCh37 (hg19) VCF-style: chr1-115229500-T-C.
Other names: c.235A>G, p.Asn79Asp (NM_001172626.2); short protein forms N83D, N79D.
Identifiers: ClinVar variation 1438943 (VCV001438943.5), dbSNP rs749940824, ClinGen allele CA1020481.